The following is an entry in ClinVar:

ClinVar aggregate classification (germline): Pathogenic (1 of 4 stars; one submission).

Conditions:
Marfan syndrome (MFS). Also called: MARFAN SYNDROME, TYPE I; Marfan syndrome type 1; Marfan's syndrome; Marfan syndrome, classic; FBN1-Related Marfan Syndrome. Identifiers: Orphanet 284963, Orphanet 558, MedGen C0024796, MONDO:0007947, OMIM 154700.
Familial thoracic aortic aneurysm and aortic dissection (TAAD). Also called: Thoracic aortic aneurysms and dissections. Identifiers: Orphanet 91387, MedGen C4707243, MONDO:0019625.

Submission:

Labcorp Genetics (formerly Invitae), Labcorp
Classification: Pathogenic for Marfan syndrome; Familial thoracic aortic aneurysm and aortic dissection. Last evaluated: 2023-10-17. Review status: criteria provided, single submitter. Criteria: Invitae Variant Classification Sherloc (09022015). Collection method: clinical testing. Allele origin: germline.
Comment: This sequence change creates a premature translational stop signal (p.Asn2415Metfs*4) in the FBN1 gene. It is expected to result in an absent or disrupted protein product. Loss-of-function variants in FBN1 are known to be pathogenic (PMID: 17657824, 19293843). This variant is not present in population databases (gnomAD no frequency). This variant has not been reported in the literature in individuals affected with FBN1-related conditions. For these reasons, this variant has been classified as Pathogenic.

Literature cited by the submitters: PubMed 17657824; PubMed 19293843.

NM_000138.5(FBN1):c.7244_7251del (p.Asn2415fs)

Gene: FBN1 (fibrillin 1; minus strand). Cytogenetic location: 15q21.1.
Variant type: Deletion.
Coding change: c.7244_7251del on transcript NM_000138.5 (MANE Select); coding-DNA positions 7244 to 7251, 8 bases deleted (ATGGGGAA; older notation c.7244_7251delATGGGGAA).
Protein change: p.Asn2415fs; shifts the reading frame from asparagine 2415.
Molecular consequence: frameshift variant.
Genome position (GRCh38, 1-based): chr15:48,425,818-48,425,825, TTCCCCAT deleted on the plus strand (ATGGGGAA on the coding strand, the reverse complement: FBN1 is on the minus strand); deleting any 8 consecutive bases within chr15:48,425,818-48,425,828 gives the same sequence; the c. name uses the placement nearest the transcript's 3' end. VCF-style (leftmost placement, unchanged base first): chr15-48425817-ATTCCCCAT-A. GRCh37 (hg19) VCF-style: chr15-48718014-ATTCCCCAT-A.
Other names: c.7244_7251del, p.Asn2415fs (NM_001406716.1); short protein forms N2415fs.
Identifiers: ClinVar variation 2953017 (VCV002953017.3), dbSNP rs2505408196, ClinGen allele CA2740096556.